The following is an entry in ClinVar:

NM_000465.4(BARD1):c.1126T>A (p.Ser376Thr)

Gene: BARD1 (BRCA1 associated RING domain 1; minus strand). Cytogenetic location: 2q35.
Variant type: single nucleotide variant.
Coding change: c.1126T>A on transcript NM_000465.4 (MANE Select); coding-DNA position 1126, T replaced by A.
Protein change: p.Ser376Thr; replaces serine 376 with threonine.
Molecular consequence: missense variant. On other transcripts: non-coding transcript variant (2), intron variant (3).
Genome position (GRCh38, 1-based): chr2:214,780,748, A>T on the plus strand (T>A on the coding strand, the complement: BARD1 is on the minus strand). VCF-style: chr2-214780748-A-T. GRCh37 (hg19) VCF-style: chr2-215645472-A-T.
Other names: c.1069T>A, p.Ser357Thr (NM_001282543.2); c.159-28193T>A (NM_001282548.2); c.215+16313T>A (NM_001282545.2); c.364+11549T>A (NM_001282549.2); short protein forms S357T, S376T.
Identifiers: ClinVar variation 648329 (VCV000648329.9), dbSNP rs1060501279, ClinGen allele CA350454007.

ClinVar aggregate classification (germline): Uncertain significance (1 of 4 stars; one submission).

Conditions:
Familial cancer of breast. Also called: hereditary breast carcinoma; Hereditary breast cancer; BREAST CANCER, FAMILIAL. Identifiers: Orphanet 227535, MedGen C0346153, MONDO:0016419, OMIM 114480. Disease mechanism: loss of function.

Submission:

Labcorp Genetics (formerly Invitae), Labcorp
Classification: Uncertain significance for Familial cancer of breast. Last evaluated: 2018-08-02. Review status: criteria provided, single submitter. Criteria: Invitae Variant Classification Sherloc (09022015). Collection method: clinical testing. Allele origin: germline.
Comment: In summary, the available evidence is currently insufficient to determine the role of this variant in disease. Therefore, it has been classified as a Variant of Uncertain Significance. This sequence change replaces serine with threonine at codon 376 of the BARD1 protein (p.Ser376Thr). The serine residue is weakly conserved and there is a small physicochemical difference between serine and threonine. This variant is not present in population databases (ExAC no frequency). This variant has not been reported in the literature in individuals with BARD1-related disease. Algorithms developed to predict the effect of missense changes on protein structure and function (SIFT, PolyPhen-2, Align-GVGD) all suggest that this variant is likely to be tolerated, but these predictions have not been confirmed by published functional studies and their clinical significance is uncertain.